The following is an entry in ClinVar:

NM_000312.4(PROC):c.259G>A (p.Val87Ile)

Gene: PROC (protein C, inactivator of coagulation factors Va and VIIIa; plus strand). Cytogenetic location: 2q14.3.
Variant type: single nucleotide variant.
Coding change: c.259G>A on transcript NM_000312.4 (MANE Select); coding-DNA position 259, G replaced by A.
Protein change: p.Val87Ile; replaces valine 87 with isoleucine.
Molecular consequence: missense variant.
Genome position (GRCh38, 1-based): chr2:127,422,938, G>A. VCF-style: chr2-127422938-G-A. GRCh37 (hg19) VCF-style: chr2-128180514-G-A.
Other names: c.343G>A, p.Val115Ile (NM_001375607.1); c.259G>A, p.Val87Ile (NM_001375608.1, NM_001375611.1, NM_001375613.1 and 1 more transcripts); c.235G>A, p.Val79Ile (NM_001375609.1); c.253G>A, p.Val85Ile (NM_001375610.1); c.442G>A, p.Val148Ile (NM_001375602.1); c.322G>A, p.Val108Ile (NM_001375603.1, NM_001375604.1, NM_001375606.1); short protein forms V148I, V108I, V85I, V79I, V115I, V87I.
Identifiers: ClinVar variation 4738956 (VCV004738956.1).

ClinVar aggregate classification (germline): Uncertain significance (1 of 4 stars; one submission).

Conditions:
Thrombophilia due to protein C deficiency, autosomal dominant. Also called: PROC DEFICIENCY, AUTOSOMAL DOMINANT; PROTEIN C DEFICIENCY, AUTOSOMAL DOMINANT. Identifiers: Orphanet 745, MedGen C2674321, MONDO:0008316, OMIM 176860. Disease mechanism: loss of function.

gnomAD v4.1: 64 of 1,592,152 alleles (0.004%); highest among the groups gnomAD compares: Middle Eastern, 0.05%; no homozygotes.

Submission:

Labcorp Genetics (formerly Invitae), Labcorp
Classification: Uncertain significance for Thrombophilia due to protein C deficiency, autosomal dominant. Last evaluated: 2025-10-23. Review status: criteria provided, single submitter. Criteria: Invitae Variant Classification Sherloc (09022015). Collection method: clinical testing. Allele origin: germline.
Comment: This sequence change replaces valine, which is neutral and non-polar, with isoleucine, which is neutral and non-polar, at codon 87 of the PROC protein (p.Val87Ile). This variant is present in population databases (rs145854591, gnomAD 0.004%). This variant has not been reported in the literature in individuals affected with PROC-related conditions. An algorithm developed to predict the effect of missense changes on protein structure and function (PolyPhen-2) suggests that this variant is likely to be tolerated. In summary, the available evidence is currently insufficient to determine the role of this variant in disease. Therefore, it has been classified as a Variant of Uncertain Significance.